The following is an entry in ClinVar:

NM_005559.4(LAMA1):c.1319G>A (p.Arg440His)

Gene: LAMA1 (laminin subunit alpha 1; minus strand). Cytogenetic location: 18p11.31.
Variant type: single nucleotide variant.
Coding change: c.1319G>A on transcript NM_005559.4 (MANE Select); coding-DNA position 1319, G replaced by A.
Protein change: p.Arg440His; replaces arginine 440 with histidine.
Molecular consequence: missense variant.
Genome position (GRCh38, 1-based): chr18:7,040,179, C>T on the plus strand (G>A on the coding strand, the complement: LAMA1 is on the minus strand). VCF-style: chr18-7040179-C-T. GRCh37 (hg19) VCF-style: chr18-7040178-C-T.
Other names: short protein forms R440H.
Identifiers: ClinVar variation 2971686 (VCV002971686.3), dbSNP rs756452553, ClinGen allele CA8883015.

ClinVar aggregate classification (germline): Uncertain significance (1 of 4 stars; one submission).

Allele frequency attached by ClinVar (database versions not stated): TOPMed below 0.00001; ExAC 0.00002; gnomAD 0.00001; gnomAD exomes 0.00001.
gnomAD v4.1: 9 of 1,613,952 alleles (0.00056%); highest among the groups gnomAD compares: East Asian, 0.0022%; no homozygotes.

Submission:

Labcorp Genetics (formerly Invitae), Labcorp
Classification: Uncertain significance. Last evaluated: 2025-05-05. Review status: criteria provided, single submitter. Criteria: Invitae Variant Classification Sherloc (09022015). Collection method: clinical testing. Allele origin: germline.
Comment: This sequence change replaces arginine, which is basic and polar, with histidine, which is basic and polar, at codon 440 of the LAMA1 protein (p.Arg440His). This variant is present in population databases (rs756452553, gnomAD 0.002%). This variant has not been reported in the literature in individuals affected with LAMA1-related conditions. ClinVar contains an entry for this variant (Variation ID: 2971686). An algorithm developed to predict the effect of missense changes on protein structure and function outputs the following: PolyPhen-2: "Benign". The histidine amino acid residue is found in multiple mammalian species, which suggests that this missense change does not adversely affect protein function. In summary, the available evidence is currently insufficient to determine the role of this variant in disease. Therefore, it has been classified as a Variant of Uncertain Significance.